The following is an entry in ClinVar:

ClinVar aggregate classification (germline): Conflicting classifications of pathogenicity. Review status: criteria provided, conflicting classifications (1 of 4 stars). 7 submissions from 7 submitters: Likely pathogenic (1); Uncertain significance (5). 1 of the submissions does not count toward it. Last evaluated 2025-12-15.

Conditions:
COL5A1-related disorder. Also called: COL5A1-related condition.
Ehlers-Danlos syndrome, classic type, 1 (EDSCL1). Also called: Ehlers-Danlos Syndrome, Classic Type, COL5A1-Related; EHLERS-DANLOS SYNDROME, GRAVIS TYPE; EHLERS-DANLOS SYNDROME, SEVERE CLASSIC TYPE; EDS I; Ehlers-Danlos syndrome, type 1. Identifiers: MedGen C0268335, MONDO:0019567, OMIM 130000.
Familial thoracic aortic aneurysm and aortic dissection (TAAD). Also called: Thoracic aortic aneurysms and dissections. Identifiers: Orphanet 91387, MedGen C4707243, MONDO:0019625.

Allele frequency attached by ClinVar (database versions not stated): TOPMed 0.00004; gnomAD 0.00002 and 0.00003.
gnomAD v4.1: 76 of 1,613,772 alleles (0.0047%); highest among the groups gnomAD compares: East Asian, 0.016%; no homozygotes.

Submissions (7):

GeneDx
Classification: Uncertain significance. Last evaluated: 2025-12-15. Review status: criteria provided, single submitter. Criteria: GeneDx Variant Classification Process June 2021. Collection method: clinical testing. Allele origin: germline.
Comment: Observed in an individual with hypermobility/benign joint hypermobility syndrome (BJHS) (PMID: 27011056); In silico analysis suggests that this missense variant does not alter protein structure/function; Occurs in the triple helical domain at the Y position in the canonical Gly-X-Y repeat; although this variant may have an effect on normal protein folding and function, missense substitution at the Y position is not a common mechanism of disease (PMID: 22696272; HGMD); This variant is associated with the following publications: (PMID: 22696272, 27011056)

Labcorp Genetics (formerly Invitae), Labcorp
Classification: Likely pathogenic for Ehlers-Danlos syndrome, classic type, 1. Last evaluated: 2025-12-03. Review status: criteria provided, single submitter. Criteria: Invitae Variant Classification Sherloc (09022015). Collection method: clinical testing. Allele origin: germline.
Comment: This sequence change replaces alanine, which is neutral and non-polar, with valine, which is neutral and non-polar, at codon 1086 of the COL5A1 protein (p.Ala1086Val). This variant is present in population databases (rs774849517, gnomAD 0.01%). This missense change has been observed in individual(s) with benign joint hypermobility syndrome and/or clinical features of autosomal dominant Ehlers-Danlos syndrome (PMID: 27011056; internal data). ClinVar contains an entry for this variant (Variation ID: 409105). Experimental studies and prediction algorithms are not available or were not evaluated, and the functional significance of this variant is currently unknown. In summary, the currently available evidence indicates that the variant is pathogenic, but additional data are needed to prove that conclusively. Therefore, this variant has been classified as Likely Pathogenic.

Women's Health and Genetics/Laboratory Corporation of America, LabCorp
Classification: Uncertain significance. Last evaluated: 2025-07-16. Review status: criteria provided, single submitter. Criteria: LabCorp Variant Classification Summary - May 2015. Collection method: clinical testing. Allele origin: germline.
Comment: Variant summary: COL5A1 c.3257C>T (p.Ala1086Val) results in a non-conservative amino acid change in the encoded protein sequence. Algorithms developed to predict the effect of missense changes on protein structure and function all suggest that this variant is likely to be disruptive. Consensus agreement among computation tools predict no significant impact on normal splicing. However, these predictions have yet to be confirmed by functional studies. The variant allele was found at a frequency of 3.6e-05 in 251382 control chromosomes (gnomAD). c.3257C>T has been observed in individuals affected with clinical features of Ehlers-Danlos syndrome (Weerakkody_2016, internal data). These data indicate that the variant may be associated with disease. To our knowledge, no experimental evidence demonstrating an impact on protein function has been reported. The following publications have been ascertained in the context of this evaluation (PMID: 27011056). ClinVar contains an entry for this variant (Variation ID: 409105). Based on the evidence outlined above, the variant was classified as VUS-possibly pathogenic.

Ambry Genetics
Classification: Uncertain significance for Familial thoracic aortic aneurysm and aortic dissection. Last evaluated: 2025-04-07. Review status: criteria provided, single submitter. Criteria: Ambry Variant Classification Scheme 2023. Collection method: clinical testing. Allele origin: germline.
Comment: The p.A1086V variant (also known as c.3257C>T), located in coding exon 41 of the COL5A1 gene, results from a C to T substitution at nucleotide position 3257. The alanine at codon 1086 is replaced by valine, an amino acid with similar properties. This variant has been detected in an individual with hypermobility (Weerakkody RA et al. Genet Med, 2016 11;18:1119-1127). This amino acid position is highly conserved in available vertebrate species. In addition, the in silico prediction for this alteration is inconclusive. Since supporting evidence is limited at this time, the clinical significance of this alteration remains unclear.

Mayo Clinic Laboratories, Mayo Clinic
Classification: Uncertain significance. Last evaluated: 2020-11-03. Review status: criteria provided, single submitter. Criteria: ACMG Guidelines, 2015. Collection method: clinical testing. Allele origin: germline. Observed: 1 variant allele.

ARUP Laboratories, Molecular Genetics and Genomics, ARUP Laboratories
Classification: Uncertain significance. Last evaluated: 2017-03-16. Review status: criteria provided, single submitter. Criteria: ARUP Molecular Germline Variant Investigation Process. Collection method: clinical testing. Allele origin: germline.

PreventionGenetics, part of Exact Sciences
Classification: Uncertain significance for COL5A1-related condition. Last evaluated: 2024-05-01. Review status: no assertion criteria provided. Collection method: clinical testing. Allele origin: germline. Not counted in ClinVar's aggregate classification.
Comment: The COL5A1 c.3257C>T variant is predicted to result in the amino acid substitution p.Ala1086Val. This variant has been reported in an individual with hypermobility (Weerakkody et al. 2016. PubMed ID: 27011056). This variant is reported in 0.014% of alleles in individuals of Latino descent in gnomAD. At this time, the clinical significance of this variant is uncertain due to the absence of conclusive functional and genetic evidence.

Literature cited by the submitters: PubMed 27011056 (cited by 3 submitters).

NM_000093.5(COL5A1):c.3257C>T (p.Ala1086Val)

Gene: COL5A1 (collagen type V alpha 1 chain; plus strand). Cytogenetic location: 9q34.3.
Variant type: single nucleotide variant.
Coding change: c.3257C>T on transcript NM_000093.5 (MANE Select); coding-DNA position 3257, C replaced by T.
Protein change: p.Ala1086Val; replaces alanine 1086 with valine.
Molecular consequence: missense variant.
Genome position (GRCh38, 1-based): chr9:134,805,213, C>T. VCF-style: chr9-134805213-C-T. GRCh37 (hg19) VCF-style: chr9-137697059-C-T.
Other names: c.3257C>T, p.Ala1086Val (NM_001278074.1); short protein forms A1086V.
Identifiers: ClinVar variation 409105 (VCV000409105.27), dbSNP rs774849517, ClinGen allele CA5319810.